The following is an entry in ClinVar:

NM_033305.3(VPS13A):c.9067_9069delinsTGG (p.Gly3023Trp)

Gene: VPS13A (vacuolar protein sorting 13 homolog A; plus strand). Cytogenetic location: 9q21.2.
Variant type: Indel.
Coding change: c.9067_9069delinsTGG on transcript NM_033305.3 (MANE Select); coding-DNA positions 9067 to 9069, GGA replaced by TGG.
Protein change: p.Gly3023Trp; replaces glycine 3023 with tryptophan.
Molecular consequence: missense variant.
Genome position (GRCh38, 1-based): chr9:77,371,139-77,371,141, GGA replaced by TGG. VCF-style: chr9-77371139-GGA-TGG. GRCh37 (hg19) VCF-style: chr9-79986055-GGA-TGG.
Other names: c.8950_8952delinsTGG, p.Gly2984Trp (NM_001018037.2); c.9067_9069delinsTGG, p.Gly3023Trp (NM_001018038.3, NM_015186.4); short protein forms G2984W, G3023W.
Identifiers: ClinVar variation 2627469 (VCV002627469.1), dbSNP rs2538207700, ClinGen allele CA2582341995.

ClinVar aggregate classification (germline): Uncertain significance (1 of 4 stars; one submission).

Conditions:
VPS13A-related neurodegenerative disease. Also called: VPS13A Disease; LEVINE-CRITCHLEY SYNDROME; Choreoacanthocytosis; ACANTHOCYTOSIS WITH NEUROLOGIC DISORDER; Chorea-acanthocytosis; Choreaacanthocytosis. Identifiers: Orphanet 2388, MedGen C0393576, MONDO:0008695, OMIM 200150.

Submission:

Neuberg Centre For Genomic Medicine, NCGM
Classification: Uncertain significance for VPS13A-related neurodegenerative disease. Review status: criteria provided, single submitter. Criteria: ACMG Guidelines, 2015. Collection method: clinical testing. Allele origin: germline. Inheritance: Autosomal recessive inheritance. Affected: yes.
Comment: The in VPS13A (NM_033305.3) has not been reported previously as a pathogenic variant nor as a benign variant, to our knowledge. The p.Gly3023Trp variant is novel (not in any individuals) in gnomAD Exomes and is novel (not in any individuals) in 1000 Genomes.It is predicted to be damaging by silico tools and is conserved across residues.